The following is an entry in ClinVar:

NM_133448.3(TMEM132D):c.3171C>T (p.Asp1057=)

Gene: TMEM132D (transmembrane protein 132D; minus strand). Cytogenetic location: 12q24.33.
Variant type: single nucleotide variant.
Coding change: c.3171C>T on transcript NM_133448.3 (MANE Select); coding-DNA position 3171, C replaced by T.
Protein change: p.Asp1057=; no amino-acid change (aspartic acid 1057 retained).
Molecular consequence: synonymous variant.
Genome position (GRCh38, 1-based): chr12:129,074,004, G>A on the plus strand (C>T on the coding strand, the complement: TMEM132D is on the minus strand). VCF-style: chr12-129074004-G-A. GRCh37 (hg19) VCF-style: chr12-129558549-G-A.
Identifiers: ClinVar variation 3040259 (VCV003040259.2), dbSNP rs74724941, ClinGen allele CA6875647.

ClinVar aggregate classification (germline): Benign (0 of 4 stars; one submission).

Conditions:
TMEM132D-related disorder. Also called: TMEM132D-related condition.

Allele frequency attached by ClinVar (database versions not stated): ESP Exome Variant Server 0.00023; TOPMed 0.00037; gnomAD 0.00046; ExAC 0.00068; 1000 Genomes Project 30x 0.00234; 1000 Genomes Project 0.00260.
gnomAD v4.1: 670 of 1,613,952 alleles (0.042%); highest among the groups gnomAD compares: East Asian, 1.1%; 4 homozygotes.

Submission:

PreventionGenetics, part of Exact Sciences
Classification: Benign for TMEM132D-related condition. Last evaluated: 2019-09-10. Review status: no assertion criteria provided. Collection method: clinical testing. Allele origin: germline.
Comment: This variant is classified as benign based on ACMG/AMP sequence variant interpretation guidelines (Richards et al. 2015 PMID: 25741868, with internal and published modifications).